The following is an entry in ClinVar:

NM_017775.4(TTC19):c.880C>T (p.Arg294Cys)

Gene: TTC19 (tetratricopeptide repeat domain 19; plus strand). Cytogenetic location: 17p12.
Variant type: single nucleotide variant.
Coding change: c.880C>T on transcript NM_017775.4 (MANE Select); coding-DNA position 880, C replaced by T.
Protein change: p.Arg294Cys; replaces arginine 294 with cysteine.
Molecular consequence: missense variant.
Genome position (GRCh38, 1-based): chr17:16,026,588, C>T. VCF-style: chr17-16026588-C-T. GRCh37 (hg19) VCF-style: chr17-15929902-C-T.
Other names: c.559C>T, p.Arg187Cys (NM_001271420.2); short protein forms R294C, R187C.
Identifiers: ClinVar variation 1905792 (VCV001905792.6), dbSNP rs370754599, ClinGen allele CA8407554.

ClinVar aggregate classification (germline): Uncertain significance. Review status: criteria provided, multiple submitters, no conflicts (2 of 4 stars). 2 submissions from 2 submitters: Uncertain significance (2). Last evaluated 2022-04-12.

Conditions:
Inborn genetic diseases. Identifiers: MedGen C0950123, MeSH D030342.

Allele frequency attached by ClinVar (database versions not stated): TOPMed 0.00003; gnomAD 0.00004; ExAC 0.00007; ESP Exome Variant Server 0.00008.
gnomAD v4.1: 39 of 1,613,992 alleles (0.0024%); highest among the groups gnomAD compares: Admixed American, 0.015%; no homozygotes.

Submissions (2):

Labcorp Genetics (formerly Invitae), Labcorp
Classification: Uncertain significance. Last evaluated: 2022-04-12. Review status: criteria provided, single submitter. Criteria: Invitae Variant Classification Sherloc (09022015). Collection method: clinical testing. Allele origin: germline.
Comment: This variant has not been reported in the literature in individuals affected with TTC19-related conditions. Algorithms developed to predict the effect of missense changes on protein structure and function (SIFT, PolyPhen-2, Align-GVGD) all suggest that this variant is likely to be disruptive. In summary, the available evidence is currently insufficient to determine the role of this variant in disease. Therefore, it has been classified as a Variant of Uncertain Significance. This sequence change replaces arginine, which is basic and polar, with cysteine, which is neutral and slightly polar, at codon 294 of the TTC19 protein (p.Arg294Cys). This variant is present in population databases (rs370754599, gnomAD 0.02%).

Ambry Genetics
Classification: Uncertain significance for Inborn genetic diseases. Last evaluated: 2021-10-26. Review status: criteria provided, single submitter. Criteria: Ambry Variant Classification Scheme 2023. Collection method: clinical testing. Allele origin: germline.